The following is an entry in ClinVar:

ClinVar aggregate classification (germline): Likely pathogenic (1 of 4 stars; one submission).

Conditions:
Dilated cardiomyopathy 1G (CMD1G). Identifiers: Orphanet 154, MedGen C1858763, MONDO:0011400, OMIM 604145.
Autosomal recessive limb-girdle muscular dystrophy type 2J (LGMDR10). Also called: Limb-girdle muscular dystrophy, type 2J; MUSCULAR DYSTROPHY, LIMB-GIRDLE, AUTOSOMAL RECESSIVE 10. Identifiers: Orphanet 140922, MedGen C1837342, MONDO:0012127, OMIM 608807.

Submission:

Labcorp Genetics (formerly Invitae), Labcorp
Classification: Likely pathogenic for Dilated cardiomyopathy 1G; Autosomal recessive limb-girdle muscular dystrophy type 2J. Last evaluated: 2023-02-05. Review status: criteria provided, single submitter. Criteria: Invitae Variant Classification Sherloc (09022015). Collection method: clinical testing. Allele origin: germline.
Comment: In summary, the currently available evidence indicates that the variant is pathogenic, but additional data are needed to prove that conclusively. Therefore, this variant has been classified as Likely Pathogenic. This variant is located in the A band of TTN (PMID: 25589632). Truncating variants in this region are significantly overrepresented in patients affected with dilated cardiomyopathy (PMID: 25589632). Truncating variants in this region have also been reported in individuals affected with autosomal recessive centronuclear myopathy (PMID: 23975875). This sequence change creates a premature translational stop signal (p.Pro17593Glnfs*31) in the TTN gene. While this is not anticipated to result in nonsense mediated decay, it is expected to create a truncated TTN protein. This variant is not present in population databases (gnomAD no frequency). This variant has not been reported in the literature in individuals affected with TTN-related conditions.

Literature cited by the submitters: PubMed 25589632; PubMed 23975875.

NM_001267550.2(TTN):c.52778del (p.Pro17593fs)

Genes: TTN-AS1 (TTN antisense RNA 1; plus strand), TTN (titin; minus strand), LOC126806425 (BRD4-independent group 4 enhancer GRCh37_chr2:179471933-179473132; plus strand). Cytogenetic location: 2q31.2.
Variant type: Deletion.
Coding change: c.52778del on transcript NM_001267550.2 (MANE Select); coding-DNA position 52778, one base deleted (C; older notation c.52778delC).
Protein change: p.Pro17593fs; shifts the reading frame from proline 17593.
Molecular consequence: frameshift variant.
Genome position (GRCh38, 1-based): chr2:178,608,009, G deleted on the plus strand (C on the coding strand, the reverse complement: TTN is on the minus strand); the first of 5 consecutive G bases (chr2:178,608,009-178,608,013); deleting any one gives the same sequence. VCF-style (leftmost placement, unchanged base first): chr2-178608008-TG-T. GRCh37 (hg19) VCF-style: chr2-179472735-TG-T.
Other names: c.47855del, p.Pro15952fs (NM_001256850.1); c.25583del, p.Pro8528fs (NM_003319.4); c.45074del, p.Pro15025fs (NM_133378.4); c.25958del, p.Pro8653fs (NM_133432.3); c.26159del, p.Pro8720fs (NM_133437.4); short protein forms P8528fs, P15025fs, P17593fs, P15952fs, P8720fs, P8653fs.
Identifiers: ClinVar variation 2937896 (VCV002937896.3), dbSNP rs2470316507, ClinGen allele CA2740096118.